The following is an entry in ClinVar:

NM_001723.7(DST):c.5842A>C (p.Lys1948Gln)

Gene: DST (dystonin; minus strand). Cytogenetic location: 6p12.1.
Variant type: single nucleotide variant.
Coding change: c.5842A>C on transcript NM_001723.7 (MANE Plus Clinical); coding-DNA position 5842, A replaced by C.
Protein change: p.Lys1948Gln; replaces lysine 1948 with glutamine.
Molecular consequence: missense variant. On other transcripts: intron variant (10).
Genome position (GRCh38, 1-based): chr6:56,618,192, T>G on the plus strand (A>C on the coding strand, the complement: DST is on the minus strand). VCF-style: chr6-56618192-T-G. GRCh37 (hg19) VCF-style: chr6-56482990-T-G.
Other names: c.4831-3708A>C (NM_001144769.5); c.4930-3708A>C (NM_001374722.1, NM_001374736.1); c.4957-3708A>C (NM_001374734.1); c.4417-3708A>C (NM_001144770.2); c.4297-3708A>C (NM_001374730.1, NM_001386100.1, NM_183380.4 and 1 more transcripts); c.3319-3708A>C (NM_015548.5); short protein forms K1948Q.
Identifiers: ClinVar variation 541444 (VCV000541444.6), dbSNP rs1554503638, ClinGen allele CA364566466.
Genomic context (GRCh38, chr6:56,618,192, plus strand): 5'-TCTGTAACTCGGTGCTTGTCTGAGAAAAGTACTCAGAGTAACACTGCTGGCTTTTCTCTT[T>G]CTCGAGTGGAGCCCCTGGTGGCTGGAATTGGACTTCTTTGGGTATCTGTTCAACAACCCG-3'
Protein context (NP_001714.1, residues 1938-1958): QFQPPGAPLE[Lys1948Gln]EKSQQCYSEY

ClinVar aggregate classification (germline): Uncertain significance (1 of 4 stars; one submission).

Conditions:
Hereditary sensory and autonomic neuropathy type 6. Also called: HSAN VI; Neuropathy, hereditary sensory and autonomic, type VI. Identifiers: Orphanet 314381, MedGen C3539003, MONDO:0013839, OMIM 614653.
Epidermolysis bullosa simplex 3, localized or generalized intermediate, with BP230 deficiency (EBS3). Also called: Epidermolysis bullosa simplex, autosomal recessive 2; Epidermolysis bullosa simplex due to BP230 deficiency. Identifiers: Orphanet 412181, MedGen C3809470, MONDO:0014180, OMIM 615425.

Allele frequency attached by ClinVar (database versions not stated): gnomAD exomes below 0.00001.
gnomAD v4.1: 1 of 1,614,188 alleles (0.000062%); highest among the groups gnomAD compares: Non-Finnish European, 0.000085%; no homozygotes.

Submission:

Labcorp Genetics (formerly Invitae), Labcorp
Classification: Uncertain significance for Epidermolysis bullosa simplex 3, localized or generalized intermediate, with BP230 deficiency; Hereditary sensory and autonomic neuropathy type 6. Last evaluated: 2021-08-31. Review status: criteria provided, single submitter. Criteria: Invitae Variant Classification Sherloc (09022015). Collection method: clinical testing. Allele origin: germline.
Comment: This sequence change replaces lysine with glutamine at codon 1948 of the DST protein (p.Lys1948Gln). The lysine residue is weakly conserved and there is a small physicochemical difference between lysine and glutamine. This variant is not present in population databases (ExAC no frequency). This variant has not been reported in the literature in individuals affected with DST-related conditions. Algorithms developed to predict the effect of missense changes on protein structure and function (SIFT, PolyPhen-2, Align-GVGD) all suggest that this variant is likely to be tolerated. In summary, the available evidence is currently insufficient to determine the role of this variant in disease. Therefore, it has been classified as a Variant of Uncertain Significance.